The following is an entry in ClinVar:

NM_138295.5(PKD1L1):c.940A>G (p.Met314Val)

Gene: PKD1L1 (polycystin 1 like 1, transient receptor potential channel interacting; minus strand). Cytogenetic location: 7p12.3.
Variant type: single nucleotide variant.
Coding change: c.940A>G on transcript NM_138295.5 (MANE Select); coding-DNA position 940, A replaced by G.
Protein change: p.Met314Val; replaces methionine 314 with valine.
Molecular consequence: missense variant.
Genome position (GRCh38, 1-based): chr7:47,929,324, T>C on the plus strand (A>G on the coding strand, the complement: PKD1L1 is on the minus strand). VCF-style: chr7-47929324-T-C. GRCh37 (hg19) VCF-style: chr7-47968921-T-C.
Other names: short protein forms M314V.
Identifiers: ClinVar variation 4137544 (VCV004137544.2).

ClinVar aggregate classification (germline): Uncertain significance. Review status: criteria provided, multiple submitters, no conflicts (2 of 4 stars). 2 submissions from 2 submitters: Uncertain significance (2). Last evaluated 2026-03-31.

Conditions:
Inborn genetic diseases. Identifiers: MedGen C0950123, MeSH D030342.

gnomAD v4.1: 2 of 1,614,118 alleles (0.00012%); highest among the groups gnomAD compares: Non-Finnish European, 0.00017%; no homozygotes.

Submissions (2):

GeneDx
Classification: Uncertain significance. Last evaluated: 2026-03-31. Review status: criteria provided, single submitter. Criteria: GeneDx Variant Classification Process June 2021. Collection method: clinical testing. Allele origin: germline.
Comment: Not observed at significant frequency in large population cohorts (gnomAD); In silico analysis suggests that this missense variant does not alter protein structure/function; Has not been previously published as pathogenic or benign to our knowledge

Ambry Genetics
Classification: Uncertain significance for Inborn genetic diseases. Last evaluated: 2025-08-09. Review status: criteria provided, single submitter. Criteria: Ambry Variant Classification Scheme 2023. Collection method: clinical testing. Allele origin: germline.